The following is an entry in ClinVar:

NM_001165963.4(SCN1A):c.3813G>A (p.Trp1271Ter)

Genes: SCN1A (sodium voltage-gated channel alpha subunit 1; minus strand), LOC102724058 (uncharacterized LOC102724058; plus strand). Cytogenetic location: 2q24.3.
Variant type: single nucleotide variant.
Coding change: c.3813G>A on transcript NM_001165963.4 (MANE Select); coding-DNA position 3813, G replaced by A.
Protein change: p.Trp1271Ter; replaces tryptophan 1271 with a stop codon.
Molecular consequence: nonsense. On other transcripts: non-coding transcript variant (1).
Genome position (GRCh38, 1-based): chr2:166,012,175, C>T on the plus strand (G>A on the coding strand, the complement: SCN1A is on the minus strand). VCF-style: chr2-166012175-C-T. GRCh37 (hg19) VCF-style: chr2-166868685-C-T.
Other names: c.3729G>A, p.Trp1243Ter (NM_001165964.3, NM_001353957.2, NM_001353958.2); c.3813G>A, p.Trp1271Ter (NM_001202435.3, NM_001353948.2); c.3780G>A, p.Trp1260Ter (NM_001353949.2, NM_001353950.2, NM_001353951.2 and 2 more transcripts); c.3777G>A, p.Trp1259Ter (NM_001353954.2, NM_001353955.2); c.3726G>A, p.Trp1242Ter (NM_001353960.2); c.1371G>A, p.Trp457Ter (NM_001353961.2); short protein forms W1260*, W1243*, W1259*, W1242*, W1271*, W457*.
Identifiers: ClinVar variation 1735182 (VCV001735182.2), dbSNP rs751759887, ClinGen allele CA349054246.

ClinVar aggregate classification (germline): Pathogenic (1 of 4 stars; one submission).

Conditions:
Inborn genetic diseases. Identifiers: MedGen C0950123, MeSH D030342.

Submission:

Ambry Genetics
Classification: Pathogenic for Inborn genetic diseases. Last evaluated: 2018-04-20. Review status: criteria provided, single submitter. Criteria: Ambry Variant Classification Scheme 2023. Collection method: clinical testing. Allele origin: germline.
Comment: The p.W1271* pathogenic mutation (also known as c.3813G>A), located in coding exon 19 of the SCN1A gene, results from a G to A substitution at nucleotide position 3813. This changes the amino acid from a tryptophan to a stop codon within coding exon 19. This alteration is expected to result in loss of function by premature protein truncation or nonsense-mediated mRNA decay. As such, this alteration is interpreted as a disease-causing mutation.

Literature cited by the submitters: PubMed 12083760.